The following is an entry in ClinVar:

NM_020822.3(KCNT1):c.3163G>T (p.Asp1055Tyr)

Gene: KCNT1 (potassium sodium-activated channel subfamily T member 1; plus strand). Cytogenetic location: 9q34.3.
Variant type: single nucleotide variant.
Coding change: c.3163G>T on transcript NM_020822.3 (MANE Select); coding-DNA position 3163, G replaced by T.
Protein change: p.Asp1055Tyr; replaces aspartic acid 1055 with tyrosine.
Molecular consequence: missense variant.
Genome position (GRCh38, 1-based): chr9:135,785,316, G>T. VCF-style: chr9-135785316-G-T. GRCh37 (hg19) VCF-style: chr9-138677162-G-T.
Other names: c.3028G>T, p.Asp1010Tyr (NM_001272003.2); short protein forms D1055Y, D1010Y.
Identifiers: ClinVar variation 2923494 (VCV002923494.3), dbSNP rs537379253, ClinGen allele CA375490662.

ClinVar aggregate classification (germline): Uncertain significance (1 of 4 stars; one submission).

Conditions:
Autosomal dominant nocturnal frontal lobe epilepsy 5. Also called: KCNT1-Related Epilepsy; CILIARY DYSKINESIA, PRIMARY, 28, WITH SITUS INVERSUS; CILIARY DYSKINESIA, PRIMARY, 28, WITHOUT SITUS INVERSUS; Epilepsy, nocturnal frontal lobe, 5. Identifiers: Orphanet 98784, MedGen C3554306, MONDO:0014002, OMIM 615005.
Developmental and epileptic encephalopathy, 14 (DEE14). Also called: Early infantile epileptic encephalopathy 14. Identifiers: Orphanet 293181, MedGen C3554195, MONDO:0013989, OMIM 614959.

gnomAD v4.1: 4 of 1,612,858 alleles (0.00025%); highest among the groups gnomAD compares: Non-Finnish European, 0.00034%; no homozygotes.

Submission:

Labcorp Genetics (formerly Invitae), Labcorp
Classification: Uncertain significance for Autosomal dominant nocturnal frontal lobe epilepsy 5; Developmental and epileptic encephalopathy, 14. Last evaluated: 2023-09-03. Review status: criteria provided, single submitter. Criteria: Invitae Variant Classification Sherloc (09022015). Collection method: clinical testing. Allele origin: germline.
Comment: This variant is present in population databases (no rsID available, gnomAD 0.0009%). This sequence change replaces aspartic acid, which is acidic and polar, with tyrosine, which is neutral and polar, at codon 1055 of the KCNT1 protein (p.Asp1055Tyr). This variant has not been reported in the literature in individuals affected with KCNT1-related conditions. Advanced modeling of protein sequence and biophysical properties (such as structural, functional, and spatial information, amino acid conservation, physicochemical variation, residue mobility, and thermodynamic stability) performed at Invitae indicates that this missense variant is not expected to disrupt KCNT1 protein function. In summary, the available evidence is currently insufficient to determine the role of this variant in disease. Therefore, it has been classified as a Variant of Uncertain Significance.